The following is an entry in ClinVar:

ClinVar aggregate classification (germline): Benign (1 of 4 stars; one submission).

Allele frequency attached by ClinVar (database versions not stated): TOPMed 0.30194; 1000 Genomes Project 0.30871; 1000 Genomes Project 30x 0.31059; gnomAD 0.32050 and 0.32370.
gnomAD v4.1: 47,498 of 148,402 alleles (32%); highest among the groups gnomAD compares: African/African-American, 44%; 8,436 homozygotes.

Submission:

GeneDx
Classification: Benign. Last evaluated: 2018-06-15. Review status: criteria provided, single submitter. Criteria: GeneDx Variant Classification (06012015). Collection method: clinical testing. Allele origin: germline. Affected: yes.
Comment: This variant is considered likely benign or benign based on one or more of the following criteria: it is a conservative change, it occurs at a poorly conserved position in the protein, it is predicted to be benign by multiple in silico algorithms, and/or has population frequency not consistent with disease.

NM_024422.6(DSC2):c.70-154G>A

Gene: DSC2 (desmocollin 2; minus strand). Cytogenetic location: 18q12.1.
Variant type: single nucleotide variant.
Coding change: c.70-154G>A on transcript NM_024422.6 (MANE Select); 154 bases into the intron before coding-DNA position 70, G replaced by A.
Molecular consequence: intron variant.
Genome position (GRCh38, 1-based): chr18:31,093,797, C>T on the plus strand (G>A on the coding strand, the complement: DSC2 is on the minus strand). VCF-style: chr18-31093797-C-T. GRCh37 (hg19) VCF-style: chr18-28673760-C-T.
Other names: c.70-154G>A (NM_004949.5).
Identifiers: ClinVar variation 671358 (VCV000671358.1), dbSNP rs28379678, ClinGen allele CA297645864.